The following is an entry in ClinVar:

NM_000159.4(GCDH):c.1A>C (p.Met1Leu)

Genes: GCDH (glutaryl-CoA dehydrogenase; plus strand), LOC117125594 (CRISPRi-FlowFISH-validated KLF1 regulatory element; plus strand). Cytogenetic location: 19p13.13.
Variant type: single nucleotide variant.
Coding change: c.1A>C on transcript NM_000159.4 (MANE Select); coding-DNA position 1, A replaced by C.
Protein change: p.Met1Leu; changes the start codon (methionine 1).
Molecular consequence: missense variant, initiator codon variant. On other transcripts: non-coding transcript variant (2).
Genome position (GRCh38, 1-based): chr19:12,891,305, A>C. VCF-style: chr19-12891305-A-C. GRCh37 (hg19) VCF-style: chr19-13002119-A-C.
Other names: c.1A>C, p.Met1Leu (NM_013976.5); short protein forms M1L.
Identifiers: ClinVar variation 552917 (VCV000552917.12), dbSNP rs1197426645, ClinGen allele CA404312908.

ClinVar aggregate classification (germline): Likely pathogenic. Review status: criteria provided, single submitter (1 of 4 stars). 2 submissions from 2 submitters: Likely pathogenic (1). 1 of the submissions does not count toward it. Last evaluated 2022-12-20.

Conditions:
Glutaric aciduria, type 1. Also called: GA I; Glutaric acidemia type I; Glutaricacidemia Type 1; Glutaricaciduria, type I; Glutaric Acidemia Type 1; Glutaryl-CoA dehydrogenase deficiency. Identifiers: Orphanet 25, MedGen C0268595, MONDO:0009281, OMIM 231670.

Submissions (2):

Labcorp Genetics (formerly Invitae), Labcorp
Classification: Likely pathogenic for Glutaric aciduria, type 1. Last evaluated: 2022-12-20. Review status: criteria provided, single submitter. Criteria: Invitae Variant Classification Sherloc (09022015). Collection method: clinical testing. Allele origin: germline.
Comment: Disruption of the initiator codon has been observed in individual(s) with glutaric acidemia type I (PMID: 29665094). In summary, the currently available evidence indicates that the variant is pathogenic, but additional data are needed to prove that conclusively. Therefore, this variant has been classified as Likely Pathogenic. This variant disrupts the p.Trp50 amino acid residue in GCDH. Other variant(s) that disrupt this residue have been determined to be pathogenic (Invitae). This suggests that this residue is clinically significant, and that variants that disrupt this residue are likely to be disease-causing. ClinVar contains an entry for this variant (Variation ID: 552917). This variant is not present in population databases (gnomAD no frequency). This sequence change affects the initiator methionine of the GCDH mRNA. The next in-frame methionine is located at codon 80.

Counsyl
Classification: Likely pathogenic for Glutaric aciduria, type 1. Last evaluated: 2017-07-18. Review status: no assertion criteria provided. Collection method: clinical testing. Allele origin: unknown. Not counted in ClinVar's aggregate classification.

Literature cited by the submitters: PubMed 29665094 (cited by Labcorp Genetics (formerly Invitae), Labcorp).